The following is an entry in ClinVar:

ClinVar aggregate classification (germline): Benign/Likely benign. Review status: criteria provided, multiple submitters, no conflicts (2 of 4 stars). 5 submissions from 5 submitters: Benign (1); Likely benign (4). Last evaluated 2025-12-03.

Conditions:
BAP1-related tumor predisposition syndrome (TPDS1). Also called: Tumor susceptibility linked to germline BAP1 mutations; BAP1 tumor predisposition syndrome; TUMOR PREDISPOSITION SYNDROME 1; COMMON Syndrome. Identifiers: Orphanet 289539, MedGen C3280492, MONDO:0013692, OMIM 614327.
Hereditary cancer-predisposing syndrome. Also called: Neoplastic Syndromes, Hereditary; Tumor predisposition; Hereditary neoplastic syndrome; Hereditary Cancer Syndrome. Identifiers: Orphanet 140162, MedGen C0027672, MeSH D009386, MONDO:0015356.

Allele frequency attached by ClinVar (database versions not stated): gnomAD exomes below 0.00001; ExAC 0.00002.
gnomAD v4.1: 3 of 1,601,330 alleles (0.00019%); highest among the groups gnomAD compares: Non-Finnish European, 0.00026%; no homozygotes.

Submissions (5):

Labcorp Genetics (formerly Invitae), Labcorp
Classification: Likely benign for BAP1-related tumor predisposition syndrome. Last evaluated: 2025-12-03. Review status: criteria provided, single submitter. Criteria: Invitae Variant Classification Sherloc (09022015). Collection method: clinical testing. Allele origin: germline.

Center for Genomic Medicine, Rigshospitalet, Copenhagen University Hospital
Classification: Likely benign. Last evaluated: 2025-03-04. Review status: criteria provided, single submitter. Criteria: ACMG Guidelines, 2015. Collection method: clinical testing. Allele origin: germline.

Myriad Genetics, Inc.
Classification: Benign for BAP1-related tumor predisposition syndrome. Last evaluated: 2024-09-25. Review status: criteria provided, single submitter. Criteria: Myriad Autosomal Dominant, Autosomal Recessive and X-Linked Classification Criteria (2023). Collection method: clinical testing. Allele origin: unknown.
Comment: This variant is considered benign. This variant is a silent/synonymous amino acid change and it is not expected to impact splicing.

Ambry Genetics
Classification: Likely benign for Hereditary cancer-predisposing syndrome. Last evaluated: 2020-06-22. Review status: criteria provided, single submitter. Criteria: Ambry Variant Classification Scheme 2023. Collection method: clinical testing. Allele origin: germline.

Color Diagnostics, LLC DBA Color Health
Classification: Likely benign for Hereditary cancer-predisposing syndrome. Last evaluated: 2016-12-14. Review status: criteria provided, single submitter. Criteria: ACMG Guidelines, 2015. Collection method: clinical testing. Allele origin: germline.

Literature cited by the submitters: PubMed 35700825 (cited by Center for Genomic Medicine, Rigshospitalet, Copenhagen University Hospital).

NM_004656.4(BAP1):c.2189G>A (p.Ter730=)

Gene: BAP1 (BRCA1 associated deubiquitinase 1; minus strand). Cytogenetic location: 3p21.1.
Variant type: single nucleotide variant.
Coding change: c.2189G>A on transcript NM_004656.4 (MANE Select); coding-DNA position 2189, G replaced by A.
Protein change: p.Ter730=.
Molecular consequence: synonymous variant.
Genome position (GRCh38, 1-based): chr3:52,402,289, C>T on the plus strand (G>A on the coding strand, the complement: BAP1 is on the minus strand). VCF-style: chr3-52402289-C-T. GRCh37 (hg19) VCF-style: chr3-52436305-C-T.
Identifiers: ClinVar variation 629893 (VCV000629893.14), dbSNP rs771713346, ClinGen allele CA2436578.